The following is an entry in ClinVar:

ClinVar aggregate classification (germline): Uncertain significance. Review status: criteria provided, multiple submitters, no conflicts (2 of 4 stars). 4 submissions from 4 submitters: Uncertain significance (4). Last evaluated 2025-10-22.

Conditions:
Hereditary cancer-predisposing syndrome. Also called: Hereditary neoplastic syndrome; Tumor predisposition; Neoplastic Syndromes, Hereditary; Hereditary Cancer Syndrome. Identifiers: Orphanet 140162, MedGen C0027672, MeSH D009386, MONDO:0015356.
Familial cancer of breast. Also called: Hereditary breast cancer; BREAST CANCER, FAMILIAL; hereditary breast carcinoma. Identifiers: Orphanet 227535, MedGen C0346153, MONDO:0016419, OMIM 114480. Disease mechanism: loss of function.
Fanconi anemia complementation group J. Also called: BRIP1-Related Fanconi Anemia. Identifiers: Orphanet 84, MedGen C1836860, MONDO:0012187, OMIM 609054.

Submissions (4):

Ambry Genetics
Classification: Uncertain significance for Hereditary cancer-predisposing syndrome. Last evaluated: 2025-10-22. Review status: criteria provided, single submitter. Criteria: Ambry Variant Classification Scheme 2023. Collection method: clinical testing. Allele origin: germline.
Comment: The p.F417L variant (also known as c.1251T>A), located in coding exon 8 of the BRIP1 gene, results from a T to A substitution at nucleotide position 1251. The phenylalanine at codon 417 is replaced by leucine, an amino acid with highly similar properties. This amino acid position is conserved. In addition, this alteration is predicted to be tolerated by in silico analysis. Based on the available evidence, the clinical significance of this variant remains unclear.

Labcorp Genetics (formerly Invitae), Labcorp
Classification: Uncertain significance for Familial cancer of breast; Fanconi anemia complementation group J. Last evaluated: 2025-06-22. Review status: criteria provided, single submitter. Criteria: Invitae Variant Classification Sherloc (09022015). Collection method: clinical testing. Allele origin: germline.
Comment: This sequence change replaces phenylalanine, which is neutral and non-polar, with leucine, which is neutral and non-polar, at codon 417 of the BRIP1 protein (p.Phe417Leu). This variant is not present in population databases (gnomAD no frequency). This variant has not been reported in the literature in individuals affected with BRIP1-related conditions. ClinVar contains an entry for this variant (Variation ID: 962515). Invitae Evidence Modeling of protein sequence and biophysical properties (such as structural, functional, and spatial information, amino acid conservation, physicochemical variation, residue mobility, and thermodynamic stability) indicates that this missense variant is not expected to disrupt BRIP1 protein function with a negative predictive value of 95%. In summary, the available evidence is currently insufficient to determine the role of this variant in disease. Therefore, it has been classified as a Variant of Uncertain Significance.

GeneDx
Classification: Uncertain significance. Last evaluated: 2023-12-18. Review status: criteria provided, single submitter. Criteria: GeneDx Variant Classification Process June 2021. Collection method: clinical testing. Allele origin: germline. Affected: yes.
Comment: Not observed at significant frequency in large population cohorts (gnomAD); In silico analysis supports that this missense variant does not alter protein structure/function; Has not been previously published as pathogenic or benign to our knowledge

Baylor Genetics
Classification: Uncertain significance for Familial cancer of breast. Last evaluated: 2023-05-16. Review status: criteria provided, single submitter. Criteria: ACMG Guidelines, 2015. Collection method: clinical testing. Allele origin: unknown.

NM_032043.3(BRIP1):c.1251T>A (p.Phe417Leu)

Gene: BRIP1 (BRCA1 interacting DNA helicase 1; minus strand). Cytogenetic location: 17q23.2.
Variant type: single nucleotide variant.
Coding change: c.1251T>A on transcript NM_032043.3 (MANE Select); coding-DNA position 1251, T replaced by A.
Protein change: p.Phe417Leu; replaces phenylalanine 417 with leucine.
Molecular consequence: missense variant.
Genome position (GRCh38, 1-based): chr17:61,799,189, A>T on the plus strand (T>A on the coding strand, the complement: BRIP1 is on the minus strand). VCF-style: chr17-61799189-A-T. GRCh37 (hg19) VCF-style: chr17-59876550-A-T.
Other names: short protein forms F417L.
Identifiers: ClinVar variation 962515 (VCV000962515.13), dbSNP rs2077949494, ClinGen allele CA400483601.